The following is an entry in ClinVar:

NM_003816.3(ADAM9):c.2333A>G (p.Tyr778Cys)

Gene: ADAM9 (ADAM metallopeptidase domain 9; plus strand). Cytogenetic location: 8p11.22.
Variant type: single nucleotide variant.
Coding change: c.2333A>G on transcript NM_003816.3 (MANE Select); coding-DNA position 2333, A replaced by G.
Protein change: p.Tyr778Cys; replaces tyrosine 778 with cysteine.
Molecular consequence: missense variant. On other transcripts: non-coding transcript variant (3).
Genome position (GRCh38, 1-based): chr8:39,101,897, A>G. VCF-style: chr8-39101897-A-G. GRCh37 (hg19) VCF-style: chr8-38959416-A-G.
Other names: short protein forms Y778C.
Identifiers: ClinVar variation 5007312 (VCV005007312.2).

ClinVar aggregate classification (germline): Uncertain significance (1 of 4 stars; one submission).

Conditions:
Cone-rod dystrophy 9 (CORD9). Identifiers: Orphanet 1872, MedGen C1423873, MONDO:0013002, OMIM 612775.

gnomAD v4.1: 7 of 1,613,910 alleles (0.00043%); highest among the groups gnomAD compares: Middle Eastern, 0.016%; no homozygotes.

Submission:

Juno Genomics, Hangzhou Juno Genomics, Inc
Classification: Uncertain significance for Cone-rod dystrophy 9. Review status: criteria provided, single submitter. Criteria: ACMG Guidelines, 2015. Collection method: clinical testing. Allele origin: germline.
Comment: Absent from controls (or at extremely low frequency if recessive) in Genome Aggregation Database.